The following is an entry in ClinVar:

ClinVar aggregate classification (germline): Conflicting classifications of pathogenicity. Review status: criteria provided, conflicting classifications (1 of 4 stars). 6 submissions from 6 submitters: Likely pathogenic (2); Uncertain significance (4). Last evaluated 2025-10-21.

Conditions:
Myopathy, myosin storage, autosomal recessive (CMYO7B). Also called: CONGENITAL MYOPATHY 7B, MYOSIN STORAGE, AUTOSOMAL RECESSIVE. Identifiers: Orphanet 636970, MedGen C1850709, MONDO:0009708, OMIM 255160.
Hypertrophic cardiomyopathy 1 (CMH1). Also called: Familial hypertrophic cardiomyopathy 1; MYH7-Related Familial Hypertrophic Cardiomyopathy. Identifiers: MedGen C3495498, MONDO:0008647, OMIM 192600.
MYH7-related skeletal myopathy. Also called: Laing distal myopathy; Myopathy, distal, 1; Laing early-onset distal myopathy; MYOPATHY, DISTAL, EARLY-ONSET, AUTOSOMAL DOMINANT; MYOPATHY, LATE DISTAL HEREDITARY. Identifiers: Orphanet 59135, MedGen C4552004, MONDO:0008050, OMIM 160500.
Dilated cardiomyopathy 1S (CMD1S). Identifiers: Orphanet 154, Orphanet 54260, MedGen C1834481, MONDO:0013262, OMIM 613426.
Myosin storage myopathy (CMYO7A). Also called: SCAPULOPERONEAL MUSCULAR DYSTROPHY; SCAPULOPERONEAL SYNDROME, MYOPATHIC TYPE; MYOPATHY WITH LYSIS OF TYPE I MYOFIBRILS; MYH7-related late-onset scapuloperoneal muscular dystrophy; Congenital myopathy 7A, myosin storage, autosomal dominant; MYOPATHY, HYALINE BODY, AUTOSOMAL DOMINANT. Identifiers: Orphanet 437572, Orphanet 636965, MedGen C1842160, MONDO:0008409, OMIM 608358.
Hypertrophic cardiomyopathy. Also called: HYPERTROPHIC MYOCARDIOPATHY. Identifiers: Orphanet 217569, MedGen C0007194, MeSH D002312, MONDO:0005045, HP:0001639.
Cardiomyopathy (CMYO). Also called: Cardiomyopathies. Identifiers: Orphanet 167848, MedGen C0878544, MONDO:0004994, HP:0001638. Inheritance: Various modes of inheritance.

Allele frequency attached by ClinVar (database versions not stated): ExAC 0.00001; gnomAD 0.00001; gnomAD exomes 0.00001 and 0.00002; TOPMed 0.00002.
gnomAD v4.1: 10 of 1,614,018 alleles (0.00062%); highest among the groups gnomAD compares: South Asian, 0.0022%; no homozygotes.

Submissions (6):

Labcorp Genetics (formerly Invitae), Labcorp
Classification: Likely pathogenic for Hypertrophic cardiomyopathy. Last evaluated: 2025-10-21. Review status: criteria provided, single submitter. Criteria: Invitae Variant Classification Sherloc (09022015). Collection method: clinical testing. Allele origin: germline.
Comment: This sequence change replaces arginine, which is basic and polar, with cysteine, which is neutral and slightly polar, at codon 712 of the MYH7 protein (p.Arg712Cys). This variant is present in population databases (rs749007293, gnomAD 0.003%). This variant has not been reported in the literature in individuals affected with MYH7-related conditions. ClinVar contains an entry for this variant (Variation ID: 407185). Invitae Evidence Modeling of protein sequence and biophysical properties (such as structural, functional, and spatial information, amino acid conservation, physicochemical variation, residue mobility, and thermodynamic stability) indicates that this missense variant is expected to disrupt MYH7 protein function with a positive predictive value of 95%. This variant disrupts the p.Arg712 amino acid residue in MYH7. Other variant(s) that disrupt this residue have been determined to be pathogenic (PMID: 28855170, 32183154; internal data). This suggests that this residue is clinically significant, and that variants that disrupt this residue are likely to be disease-causing. In summary, the currently available evidence indicates that the variant is pathogenic, but additional data are needed to prove that conclusively. Therefore, this variant has been classified as Likely Pathogenic.

3billion
Classification: Uncertain significance for Hypertrophic cardiomyopathy 1. Last evaluated: 2025-08-08. Review status: criteria provided, single submitter. Criteria: ACMG Guidelines, 2015. Collection method: clinical testing. Allele origin: germline. Affected: yes.
Comment: The variant is observed at an extremely low frequency in the gnomAD v4.1.0 dataset (total allele frequency: <0.001%). Predicted Consequence/Location: Missense variant In silico tool predictions suggest damaging effect of the variant on gene or gene product [REVEL: 0.92 (>=0.6, sensitivity 0.68 and specificity 0.92); 3Cnet: 0.99 (> 0.75, sensitivity 0.96 and precision 0.92)]. Different missense changes at the same codon (p.Arg712Gly, p.Arg712His, p.Arg712Leu, p.Arg712Ser) have been reported as pathogenic/likely pathogenic with strong evidence (ClinVar ID: VCV000572471, VCV000575575, VCV000841613, VCV001370458 /PMID: 10679957, 28855170 /3billion dataset). Therefore, this variant is classified as VUS according to the recommendation of ACMG/AMP guideline.

GeneDx
Classification: Likely pathogenic. Last evaluated: 2025-08-04. Review status: criteria provided, single submitter. Criteria: GeneDx Variant Classification Process June 2021. Collection method: clinical testing. Allele origin: germline. Affected: yes.
Comment: Not observed at significant frequency in large population cohorts (gnomAD); In silico analysis supports that this missense variant has a deleterious effect on protein structure/function; Has not been previously published as pathogenic or benign to our knowledge; This variant is associated with the following publications: (PMID: 27532257, 29300372, 32410215, 36630130, 33309763)

All of Us Research Program, National Institutes of Health
Classification: Uncertain significance for Cardiomyopathy. Last evaluated: 2024-03-24. Review status: criteria provided, single submitter. Criteria: ACMG Guidelines, 2015. Collection method: clinical testing. Allele origin: germline. Inheritance: Autosomal dominant inheritance. Observed: 2 variant alleles, 2 heterozygotes.
Comment: This missense variant replaces arginine with cysteine at codon 712 of the MYH7 protein. Computational prediction tools indicate that this variant has a deleterious impact on protein structure and function. This variant is found within a highly conserved region of the myosin head domain. Missense variants in this region have been shown to be significantly overrepresented in individuals with hypertrophic cardiomyopathy (PMID: 27532257). To our knowledge, functional studies have not been reported for this variant. This variant has not been reported in individuals affected with MYH7-related disorders in the literature. This variant has been identified in 4/251442 chromosomes in the general population by the Genome Aggregation Database (gnomAD). The available evidence is insufficient to determine the role of this variant in disease conclusively. Therefore, this variant is classified as a Variant of Uncertain Significance.

This study involves interpretation of variants in research participants for the purpose of population health screening. Participant phenotype was not available at the time of variant classification. Additional details can be found in publication PMID: 35346344, PMCID: PMC8962531

Color Diagnostics, LLC DBA Color Health
Classification: Uncertain significance for Cardiomyopathy. Last evaluated: 2024-02-22. Review status: criteria provided, single submitter. Criteria: ACMG Guidelines, 2015. Collection method: clinical testing. Allele origin: germline.
Comment: This missense variant replaces arginine with cysteine at codon 712 of the MYH7 protein. Computational prediction tools indicate that this variant has a deleterious impact on protein structure and function. This variant is found within a highly conserved region of the myosin head domain. Missense variants in this region have been shown to be significantly overrepresented in individuals with hypertrophic cardiomyopathy (PMID: 27532257). To our knowledge, functional studies have not been reported for this variant. This variant has not been reported in individuals affected with MYH7-related disorders in the literature. This variant has been identified in 4/251442 chromosomes in the general population by the Genome Aggregation Database (gnomAD). The available evidence is insufficient to determine the role of this variant in disease conclusively. Therefore, this variant is classified as a Variant of Uncertain Significance.

Juno Genomics, Hangzhou Juno Genomics, Inc
Classification: Uncertain significance for Myosin storage myopathy; Myopathy, myosin storage, autosomal recessive; Dilated cardiomyopathy 1S; Hypertrophic cardiomyopathy 1; MYH7-related skeletal myopathy. Review status: criteria provided, single submitter. Criteria: ACMG Guidelines, 2015. Collection method: clinical testing. Allele origin: germline.
Comment: Absent from controls (or at extremely low frequency if recessive) in Genome Aggregation Database.;Located in a mutational hot spot and/or critical and well-established functional domain without benign variation.;Multiple lines of computational evidence support a deleterious effect on the gene or gene product.

Literature cited by the submitters: PubMed 28855170 (cited by Labcorp Genetics (formerly Invitae), Labcorp); PubMed 32183154 (cited by Labcorp Genetics (formerly Invitae), Labcorp); PubMed 10679957 (cited by 3billion); PubMed 27532257 (cited by All of Us Research Program, National Institutes of Health and Color Diagnostics, LLC DBA Color Health).

NM_000257.4(MYH7):c.2134C>T (p.Arg712Cys)

Gene: MYH7 (myosin heavy chain 7; minus strand). Cytogenetic location: 14q11.2.
Variant type: single nucleotide variant.
Coding change: c.2134C>T on transcript NM_000257.4 (MANE Select); coding-DNA position 2134, C replaced by T.
Protein change: p.Arg712Cys; replaces arginine 712 with cysteine.
Molecular consequence: missense variant.
Genome position (GRCh38, 1-based): chr14:23,425,992, G>A on the plus strand (C>T on the coding strand, the complement: MYH7 is on the minus strand). VCF-style: chr14-23425992-G-A. GRCh37 (hg19) VCF-style: chr14-23895201-G-A.
Other names: short protein forms R712C.
Identifiers: ClinVar variation 407185 (VCV000407185.20), dbSNP rs749007293, ClinGen allele CA031270.
Genomic context (GRCh38, chr14:23,425,992, plus strand): 5'-TTCTATGAGCTCTGGTGCACCCTCATACCCACCTCTGCCGGAAGTCCCCGTAGAGGATGC[G>A]GTTGGGGAAGCCTTTCCTGCAGATGCGGATGCCCTCCAGCACACCATTGCAGCGCAGCTG-3'
Protein context (NP_000248.2, residues 702-722): IRICRKGFPN[Arg712Cys]ILYGDFRQRY